The following is an entry in ClinVar:

ClinVar aggregate classification (germline): Uncertain significance (1 of 4 stars; one submission).

Allele frequency attached by ClinVar (database versions not stated): gnomAD 0.00001; TOPMed 0.00001; ExAC 0.00003.

Submission:

Labcorp Genetics (formerly Invitae), Labcorp
Classification: Uncertain significance. Last evaluated: 2022-05-16. Review status: criteria provided, single submitter. Criteria: Invitae Variant Classification Sherloc (09022015). Collection method: clinical testing. Allele origin: germline.
Comment: Algorithms developed to predict the effect of missense changes on protein structure and function are either unavailable or do not agree on the potential impact of this missense change (SIFT: "Deleterious"; PolyPhen-2: "Benign"; Align-GVGD: "Class C55"). In summary, the available evidence is currently insufficient to determine the role of this variant in disease. Therefore, it has been classified as a Variant of Uncertain Significance. This variant has not been reported in the literature in individuals affected with TAB2-related conditions. This variant is present in population databases (rs775340413, gnomAD 0.006%). This sequence change replaces alanine, which is neutral and non-polar, with threonine, which is neutral and polar, at codon 627 of the TAB2 protein (p.Ala627Thr).

NM_001292034.3(TAB2):c.1879G>A (p.Ala627Thr)

Gene: TAB2 (TGF-beta activated kinase 1 (MAP3K7) binding protein 2; plus strand). Cytogenetic location: 6q25.1.
Variant type: single nucleotide variant.
Coding change: c.1879G>A on transcript NM_001292034.3 (MANE Select); coding-DNA position 1879, G replaced by A.
Protein change: p.Ala627Thr; replaces alanine 627 with threonine.
Molecular consequence: missense variant.
Genome position (GRCh38, 1-based): chr6:149,399,124, G>A. VCF-style: chr6-149399124-G-A. GRCh37 (hg19) VCF-style: chr6-149720260-G-A.
Other names: c.1783G>A, p.Ala595Thr (NM_001292035.3); c.1879G>A, p.Ala627Thr (NM_001369506.1, NM_015093.6); short protein forms A595T, A627T.
Identifiers: ClinVar variation 1944385 (VCV001944385.5), dbSNP rs775340413, ClinGen allele CA4041661.
Genomic context (GRCh38, chr6:149,399,124, plus strand): 5'-AGCTATAAGCATTGATATATTTACTTTTTATATATTTCAGGACCACATTTTAACCCCAGC[G>A]CTATTCATAACTTTTATGACAATATTGGATTTGTAGGTCCTGTGCCACCAAAACCCAAAG-3'
Protein context (NP_001278963.1, residues 617-637): QARGPHFNPS[Ala627Thr]IHNFYDNIGF